The following is an entry in ClinVar:

ClinVar aggregate classification (germline): Conflicting classifications of pathogenicity. Review status: criteria provided, conflicting classifications (1 of 4 stars). 2 submissions from 2 submitters: Uncertain significance (1); Likely benign (1). Last evaluated 2024-03-18.

Conditions:
Familial hemophagocytic lymphohistiocytosis 5. Also called: STXBP2-Related Familial Hemophagocytic Lymphohistiocytosis (STXBP2-fHLH). Identifiers: Orphanet 540, MedGen C2751293, MONDO:0013135, OMIM 613101.

gnomAD v4.1: 13 of 1,612,372 alleles (0.00081%); highest among the groups gnomAD compares: East Asian, 0.016%; no homozygotes.

Submissions (3):

Labcorp Genetics (formerly Invitae), Labcorp
Classification: Uncertain significance for Familial hemophagocytic lymphohistiocytosis 5. Last evaluated: 2024-03-18. Review status: criteria provided, single submitter. Criteria: Invitae Variant Classification Sherloc (09022015). Collection method: clinical testing. Allele origin: germline.
Comment: This sequence change falls in intron 4 of the STXBP2 gene. It does not directly change the encoded amino acid sequence of the STXBP2 protein. This variant is present in population databases (rs377241944, gnomAD 0.003%). This variant has not been reported in the literature in individuals affected with STXBP2-related conditions. Algorithms developed to predict the effect of sequence changes on RNA splicing suggest that this variant may create or strengthen a splice site. In summary, the available evidence is currently insufficient to determine the role of this variant in disease. Therefore, it has been classified as a Variant of Uncertain Significance.

Blueprint Genetics
Classification: Likely benign. Last evaluated: 2023-12-04. Review status: criteria provided, single submitter. Criteria: ACMG Guidelines, 2015. Collection method: clinical testing. Allele origin: germline.

Dr. Peter K. Rogan Lab, Western University
No classification provided (evidence only). Condition: Familial cancer of breast. Review status: no classification provided. Collection method: in vitro. Allele origin: not applicable. Functional consequence: retained intron. Not counted in ClinVar's aggregate classification.

NM_006949.4(STXBP2):c.246+19G>A

Gene: STXBP2 (syntaxin binding protein 2; plus strand). Cytogenetic location: 19p13.2.
Variant type: single nucleotide variant.
Coding change: c.246+19G>A on transcript NM_006949.4 (MANE Select); 19 bases into the intron after coding-DNA position 246, G replaced by A.
Molecular consequence: intron variant.
Genome position (GRCh38, 1-based): chr19:7,639,826, G>A. VCF-style: chr19-7639826-G-A. GRCh37 (hg19) VCF-style: chr19-7704712-G-A.
Other names: c.150+19G>A (NM_001414484.1); c.246+19G>A (NM_001272034.2, NM_001127396.3).
Identifiers: ClinVar variation 3708545 (VCV003708545.3).
Genomic context (GRCh38, chr19:7,639,826, plus strand): 5'-CCCAGTCTGGAGGCCATTTATTTGCTGAGCCCCACGGAGAAGGTGCCTACATGAGTGAGC[G>A]TGTGTGTATGCGCGTGCATGCGTGTACATGTGCATGTGTGTGTATGTCTGCATGCATGTG-3'